The following is an entry in ClinVar:

NM_000124.4(ERCC6):c.3460_3463del (p.Ser1154fs)

Gene: ERCC6 (ERCC excision repair 6, chromatin remodeling factor; minus strand). Cytogenetic location: 10q11.23.
Variant type: Microsatellite.
Coding change: c.3460_3463del on transcript NM_000124.4 (MANE Select); coding-DNA positions 3460 to 3463, 4 bases deleted (TCTT; older notation c.3460_3463delTCTT).
Protein change: p.Ser1154fs; shifts the reading frame from serine 1154.
Molecular consequence: frameshift variant.
Genome position (GRCh38, 1-based): chr10:49,470,497-49,470,500, AAGA deleted on the plus strand (TCTT on the coding strand, the reverse complement: ERCC6 is on the minus strand); deleting any 4 consecutive bases within chr10:49,470,497-49,470,504 gives the same sequence; the c. name uses the placement nearest the transcript's 3' end. VCF-style (leftmost placement, unchanged base first): chr10-49470496-TAAGA-T. GRCh37 (hg19) VCF-style: chr10-50678542-TAAGA-T.
Other names: c.3460_3463del, p.Ser1154fs (NM_001346440.2); short protein forms S1154fs.
Identifiers: ClinVar variation 2696317 (VCV002696317.3), dbSNP rs2495971965, ClinGen allele CA2697558380.

ClinVar aggregate classification (germline): Pathogenic (1 of 4 stars; one submission).

Submission:

Labcorp Genetics (formerly Invitae), Labcorp
Classification: Pathogenic. Last evaluated: 2023-11-16. Review status: criteria provided, single submitter. Criteria: Invitae Variant Classification Sherloc (09022015). Collection method: clinical testing. Allele origin: germline.
Comment: This sequence change creates a premature translational stop signal (p.Ser1154Thrfs*46) in the ERCC6 gene. It is expected to result in an absent or disrupted protein product. Loss-of-function variants in ERCC6 are known to be pathogenic (PMID: 18628313, 29572252). This variant is not present in population databases (gnomAD no frequency). This variant has not been reported in the literature in individuals affected with ERCC6-related conditions. For these reasons, this variant has been classified as Pathogenic.

Literature cited by the submitters: PubMed 18628313; PubMed 29572252.